The following is an entry in ClinVar:

NM_025207.5(FLAD1):c.73G>C (p.Glu25Gln)

Gene: FLAD1 (flavin adenine dinucleotide synthetase 1; plus strand). Cytogenetic location: 1q21.3.
Variant type: single nucleotide variant.
Coding change: c.73G>C on transcript NM_025207.5 (MANE Select); coding-DNA position 73, G replaced by C.
Protein change: p.Glu25Gln; replaces glutamic acid 25 with glutamine.
Molecular consequence: missense variant. On other transcripts: intron variant (3).
Genome position (GRCh38, 1-based): chr1:154,983,767, G>C. VCF-style: chr1-154983767-G-C. GRCh37 (hg19) VCF-style: chr1-154956243-G-C.
Other names: c.-144-75G>C (NM_001184891.2, NM_201398.3); c.-789-75G>C (NM_001184892.2); short protein forms E25Q.
Identifiers: ClinVar variation 2038062 (VCV002038062.4), dbSNP rs1558072150, ClinGen allele CA342733618.

ClinVar aggregate classification (germline): Uncertain significance (1 of 4 stars; one submission).

Submission:

Labcorp Genetics (formerly Invitae), Labcorp
Classification: Uncertain significance. Last evaluated: 2021-12-26. Review status: criteria provided, single submitter. Criteria: Invitae Variant Classification Sherloc (09022015). Collection method: clinical testing. Allele origin: germline.
Comment: This variant has not been reported in the literature in individuals affected with FLAD1-related conditions. In summary, the available evidence is currently insufficient to determine the role of this variant in disease. Therefore, it has been classified as a Variant of Uncertain Significance. Algorithms developed to predict the effect of missense changes on protein structure and function are either unavailable or do not agree on the potential impact of this missense change (SIFT: "Deleterious"; PolyPhen-2: "Benign"; Align-GVGD: "Class C0"). This variant is not present in population databases (gnomAD no frequency). This sequence change replaces glutamic acid, which is acidic and polar, with glutamine, which is neutral and polar, at codon 25 of the FLAD1 protein (p.Glu25Gln).